The following is an entry in ClinVar:

NM_014014.5(SNRNP200):c.3005A>G (p.Asn1002Ser)

Gene: SNRNP200 (small nuclear ribonucleoprotein U5 subunit 200; minus strand). Cytogenetic location: 2q11.2.
Variant type: single nucleotide variant.
Coding change: c.3005A>G on transcript NM_014014.5 (MANE Select); coding-DNA position 3005, A replaced by G.
Protein change: p.Asn1002Ser; replaces asparagine 1002 with serine.
Molecular consequence: missense variant.
Genome position (GRCh38, 1-based): chr2:96,289,315, T>C on the plus strand (A>G on the coding strand, the complement: SNRNP200 is on the minus strand). VCF-style: chr2-96289315-T-C. GRCh37 (hg19) VCF-style: chr2-96955053-T-C.
Other names: short protein forms N1002S.
Identifiers: ClinVar variation 195686 (VCV000195686.28), dbSNP rs143529458, ClinGen allele CA201896.
Genomic context (GRCh38, chr2:96,289,315, plus strand): 5'-GAGGACAATGAGAAGACCCTGAAAAGCTCAATCTCACTCAGGGTGGGCTTCAGCAGCTGG[T>C]TGTAAGTCTGCACTGTATCATTGGTGATGTAGTAGTGGCTGGCTATACGGCCCAGTTCTG-3'
Protein context (NP_054733.2, residues 992-1012): YITNDTVQTY[Asn1002Ser]QLLKPTLSEI

ClinVar aggregate classification (germline): Benign/Likely benign. Review status: criteria provided, multiple submitters, no conflicts (2 of 4 stars). 6 submissions from 6 submitters: Benign (1); Likely benign (4). 1 of the submissions does not count toward it. Last evaluated 2026-01-12.

Conditions:
Retinal dystrophy. Also called: Inherited retinal dystrophy. Identifiers: Orphanet 71862, MedGen C0854723, MeSH D058499, MONDO:0019118, HP:0000556.
Retinitis pigmentosa (RP). Identifiers: Orphanet 791, MedGen C0035334, MeSH D012174, MONDO:0019200, OMIM 268000. Inheritance: Autosomal dominant, autosomal recessive and X linked inheritance.
Retinitis pigmentosa 33 (RP33). Identifiers: Orphanet 791, MedGen C1835895, MONDO:0012477, OMIM 610359.

Allele frequency attached by ClinVar (database versions not stated): TOPMed 0.00034; ESP Exome Variant Server 0.00038; ExAC 0.00073; gnomAD exomes 0.00086; gnomAD 0.00087 and 0.00093.
gnomAD v4.1: 1,066 of 1,614,062 alleles (0.066%); highest among the groups gnomAD compares: Non-Finnish European, 0.06%; 2 homozygotes.

Submissions (6):

Labcorp Genetics (formerly Invitae), Labcorp
Classification: Likely benign. Last evaluated: 2026-01-12. Review status: criteria provided, single submitter. Criteria: Invitae Variant Classification Sherloc (09022015). Collection method: clinical testing. Allele origin: germline.

Blueprint Genetics
Classification: Likely benign. Last evaluated: 2024-10-24. Review status: criteria provided, single submitter. Criteria: ACMG Guidelines, 2015. Collection method: clinical testing. Allele origin: germline.

ARUP Laboratories, Molecular Genetics and Genomics, ARUP Laboratories
Classification: Benign for Retinitis pigmentosa 33. Last evaluated: 2019-04-09. Review status: criteria provided, single submitter. Criteria: ARUP Molecular Germline Variant Investigation Process. Collection method: clinical testing. Allele origin: germline.

Illumina Laboratory Services, Illumina
Classification: Likely benign for Retinitis pigmentosa. Last evaluated: 2018-01-13. Review status: criteria provided, single submitter. Criteria: ICSL Variant Classification Criteria 13 December 2019. Collection method: clinical testing. Allele origin: germline.
Comment: This variant was observed in the ICSL laboratory as part of a predisposition screen in an ostensibly healthy population. It had not been previously curated by ICSL or reported in the Human Gene Mutation Database (HGMD: prior to June 1st, 2018), and was therefore a candidate for classification through an automated scoring system. Utilizing variant allele frequency, disease prevalence and penetrance estimates, and inheritance mode, an automated score was calculated to assess if this variant is too frequent to cause the disease. Based on the score and internal cut-off values, a variant classified as likely benign is not then subjected to further curation. The score for this variant resulted in a classification of likely benign for this disease.

Eurofins Ntd Llc (ga)
Classification: Likely benign. Last evaluated: 2015-02-02. Review status: criteria provided, single submitter. Criteria: EGL Classification Definitions 2015. Collection method: clinical testing. Allele origin: germline. Observed: 1 variant allele, 1 heterozygote.

Institute of Human Genetics, Univ. Regensburg, Univ. Regensburg
Classification: Likely benign for Retinal dystrophy. Last evaluated: 2016-01-01. Review status: no assertion criteria provided. Criteria: ACMG Guidelines, 2015. Collection method: clinical testing. Allele origin: germline. Affected: yes. Not counted in ClinVar's aggregate classification.